The following is an entry in ClinVar:

ClinVar aggregate classification (germline): Uncertain significance (1 of 4 stars; one submission).

Submission:

Labcorp Genetics (formerly Invitae), Labcorp
Classification: Uncertain significance. Last evaluated: 2023-09-15. Review status: criteria provided, single submitter. Criteria: Invitae Variant Classification Sherloc (09022015). Collection method: clinical testing. Allele origin: germline.
Comment: In summary, the available evidence is currently insufficient to determine the role of this variant in disease. Therefore, it has been classified as a Variant of Uncertain Significance. Advanced modeling of protein sequence and biophysical properties (such as structural, functional, and spatial information, amino acid conservation, physicochemical variation, residue mobility, and thermodynamic stability) performed at Invitae indicates that this missense variant is expected to disrupt VDR protein function. This variant has not been reported in the literature in individuals affected with VDR-related conditions. This variant is not present in population databases (gnomAD no frequency). This sequence change replaces cysteine, which is neutral and slightly polar, with arginine, which is basic and polar, at codon 27 of the VDR protein (p.Cys27Arg).

NM_000376.3(VDR):c.79T>C (p.Cys27Arg)

Gene: VDR (vitamin D receptor; minus strand). Cytogenetic location: 12q13.11.
Variant type: single nucleotide variant.
Coding change: c.79T>C on transcript NM_000376.3 (MANE Select); coding-DNA position 79, T replaced by C.
Protein change: p.Cys27Arg; replaces cysteine 27 with arginine.
Molecular consequence: missense variant.
Genome position (GRCh38, 1-based): chr12:47,879,035, A>G on the plus strand (T>C on the coding strand, the complement: VDR is on the minus strand). VCF-style: chr12-47879035-A-G. GRCh37 (hg19) VCF-style: chr12-48272818-A-G.
Other names: c.79T>C, p.Cys27Arg (NM_001017535.2, NM_001364085.2, NM_001374661.1 and 1 more transcripts); c.229T>C, p.Cys77Arg (NM_001017536.2); short protein forms C27R, C77R.
Identifiers: ClinVar variation 2759116 (VCV002759116.3), dbSNP rs2540017371, ClinGen allele CA384515000.